The following is an entry in ClinVar:

ClinVar aggregate classification (germline): Benign. Review status: criteria provided, multiple submitters, no conflicts (2 of 4 stars). 3 submissions from 3 submitters: Benign (3). Last evaluated 2018-01-13.

Conditions:
Congenital myasthenic syndrome 5. Identifiers: Orphanet 590, MedGen C1864233, MONDO:0011281, OMIM 603034.

Allele frequency attached by ClinVar (database versions not stated): ESP Exome Variant Server 0.08435; gnomAD 0.09699; TOPMed 0.10163; ExAC 0.10644; gnomAD exomes 0.10769; 1000 Genomes Project 30x 0.15787; 1000 Genomes Project 0.15815.

Submissions (3):

Illumina Laboratory Services, Illumina
Classification: Benign for Congenital myasthenic syndrome 5. Last evaluated: 2018-01-13. Review status: criteria provided, single submitter. Criteria: ICSL Variant Classification Criteria 13 December 2019. Collection method: clinical testing. Allele origin: germline.
Comment: This variant was observed in the ICSL laboratory as part of a predisposition screen in an ostensibly healthy population. It had not been previously curated by ICSL or reported in the Human Gene Mutation Database (HGMD: prior to June 1st, 2018), and was therefore a candidate for classification through an automated scoring system. Utilizing variant allele frequency, disease prevalence and penetrance estimates, and inheritance mode, an automated score was calculated to assess if this variant is too frequent to cause the disease. Based on the score and internal cut-off values, a variant classified as benign is not then subjected to further curation. The score for this variant resulted in a classification of benign for this disease.

GeneDx
Classification: Benign. Last evaluated: 2016-02-19. Review status: criteria provided, single submitter. Criteria: GeneDx Variant Classification (06012015). Collection method: clinical testing. Allele origin: germline. Affected: yes.
Comment: This variant is considered likely benign or benign based on one or more of the following criteria: it is a conservative change, it occurs at a poorly conserved position in the protein, it is predicted to be benign by multiple in silico algorithms, and/or has population frequency not consistent with disease.

Breakthrough Genomics
Classification: Benign. Review status: criteria provided, single submitter. Criteria: ACMG Guidelines, 2015. Collection method: not provided. Allele origin: germline. Inheritance: Autosomal recessive inheritance. Affected: yes.

NM_005677.4(COLQ):c.-46G>A

Gene: COLQ (collagen like tail subunit of asymmetric acetylcholinesterase; minus strand). Cytogenetic location: 3p25.1.
Variant type: single nucleotide variant.
Coding change: c.-46G>A on transcript NM_005677.4 (MANE Select); 46 bases upstream of the start codon, G replaced by A.
Molecular consequence: 5 prime UTR variant.
Genome position (GRCh38, 1-based): chr3:15,521,671, C>T on the plus strand (G>A on the coding strand, the complement: COLQ is on the minus strand). VCF-style: chr3-15521671-C-T. GRCh37 (hg19) VCF-style: chr3-15563178-C-T.
Other names: c.-46G>A (NM_080539.4).
Identifiers: ClinVar variation 343891 (VCV000343891.6), dbSNP rs73033051, ClinGen allele CA2276416.